The following is an entry in ClinVar:

ClinVar aggregate classification (germline): Uncertain significance (1 of 4 stars; one submission).

Allele frequency attached by ClinVar (database versions not stated): TOPMed 0.00004.

Submission:

Labcorp Genetics (formerly Invitae), Labcorp
Classification: Uncertain significance. Last evaluated: 2023-03-30. Review status: criteria provided, single submitter. Criteria: Invitae Variant Classification Sherloc (09022015). Collection method: clinical testing. Allele origin: germline.
Comment: This sequence change replaces glycine, which is neutral and non-polar, with aspartic acid, which is acidic and polar, at codon 176 of the NXF5 protein (p.Gly176Asp). This variant is present in population databases (no rsID available, gnomAD 0.005%). This variant has not been reported in the literature in individuals affected with NXF5-related conditions. Algorithms developed to predict the effect of missense changes on protein structure and function output the following: SIFT: "Not Available"; PolyPhen-2: "Possibly Damaging"; Align-GVGD: "Not Available". The aspartic acid amino acid residue is found in multiple mammalian species, which suggests that this missense change does not adversely affect protein function. In summary, the available evidence is currently insufficient to determine the role of this variant in disease. Therefore, it has been classified as a Variant of Uncertain Significance.

NC_000023.11:g.101840849C>T

Gene: NXF5 (nuclear RNA export factor 5; minus strand). Cytogenetic location: Xq22.1.
Variant type: single nucleotide variant.
Molecular consequence: non-coding transcript variant (on NR_028089.1).
Genome position: GRCh38 VCF-style: chrX-101840849-C-T. GRCh37 (hg19) VCF-style: chrX-101095821-C-T.
Identifiers: ClinVar variation 2904160 (VCV002904160.3), dbSNP rs1391138361, ClinGen allele CA413966513.